The following is an entry in ClinVar:

ClinVar aggregate classification (germline): Uncertain significance (1 of 4 stars; one submission).

Conditions:
Ichthyosis linearis circumflexa. Identifiers: MedGen C0265962, MONDO:0043106, HP:0025810.

Submission:

Labcorp Genetics (formerly Invitae), Labcorp
Classification: Uncertain significance for Ichthyosis linearis circumflexa. Last evaluated: 2023-12-07. Review status: criteria provided, single submitter. Criteria: Invitae Variant Classification Sherloc (09022015). Collection method: clinical testing. Allele origin: germline.
Comment: This sequence change replaces asparagine, which is neutral and polar, with lysine, which is basic and polar, at codon 376 of the SPINK5 protein (p.Asn376Lys). This variant is present in population databases (no rsID available, gnomAD 0.0009%). This variant has not been reported in the literature in individuals affected with SPINK5-related conditions. ClinVar contains an entry for this variant (Variation ID: 1512808). Advanced modeling of protein sequence and biophysical properties (such as structural, functional, and spatial information, amino acid conservation, physicochemical variation, residue mobility, and thermodynamic stability) has been performed at Invitae for this missense variant, however the output from this modeling did not meet the statistical confidence thresholds required to predict the impact of this variant on SPINK5 protein function. In summary, the available evidence is currently insufficient to determine the role of this variant in disease. Therefore, it has been classified as a Variant of Uncertain Significance.

NM_006846.4(SPINK5):c.1128C>A (p.Asn376Lys)

Gene: SPINK5 (serine peptidase inhibitor Kazal type 5; plus strand). Cytogenetic location: 5q32.
Variant type: single nucleotide variant.
Coding change: c.1128C>A on transcript NM_006846.4 (MANE Select); coding-DNA position 1128, C replaced by A.
Protein change: p.Asn376Lys; replaces asparagine 376 with lysine.
Molecular consequence: missense variant.
Genome position (GRCh38, 1-based): chr5:148,100,489, C>A. VCF-style: chr5-148100489-C-A. GRCh37 (hg19) VCF-style: chr5-147480052-C-A.
Other names: c.1128C>A, p.Asn376Lys (NM_001127698.2, NM_001127699.2); short protein forms N376K.
Identifiers: ClinVar variation 1512808 (VCV001512808.6), dbSNP rs78128189, ClinGen allele CA361636172.